The following is an entry in ClinVar:

NM_004304.5(ALK):c.56T>G (p.Val19Gly)

Gene: ALK (ALK receptor tyrosine kinase; minus strand). Cytogenetic location: 2p23.1.
Variant type: single nucleotide variant.
Coding change: c.56T>G on transcript NM_004304.5 (MANE Select); coding-DNA position 56, T replaced by G.
Protein change: p.Val19Gly; replaces valine 19 with glycine.
Molecular consequence: missense variant.
Genome position (GRCh38, 1-based): chr2:29,920,604, A>C on the plus strand (T>G on the coding strand, the complement: ALK is on the minus strand). VCF-style: chr2-29920604-A-C. GRCh37 (hg19) VCF-style: chr2-30143470-A-C.
Other names: short protein forms V19G.
Identifiers: ClinVar variation 3223918 (VCV003223918.1), dbSNP rs2148444032, ClinGen allele CA346590774.

ClinVar aggregate classification (germline): Uncertain significance (1 of 4 stars; one submission).

Conditions:
Hereditary cancer-predisposing syndrome. Also called: Tumor predisposition; Hereditary neoplastic syndrome; Hereditary Cancer Syndrome; Neoplastic Syndromes, Hereditary. Identifiers: Orphanet 140162, MedGen C0027672, MeSH D009386, MONDO:0015356.

Submission:

Ambry Genetics
Classification: Uncertain significance for Hereditary cancer-predisposing syndrome. Last evaluated: 2023-09-15. Review status: criteria provided, single submitter. Criteria: Ambry Variant Classification Scheme 2023. Collection method: clinical testing. Allele origin: germline.
Comment: The p.V19G variant (also known as c.56T>G), located in coding exon 1 of the ALK gene, results from a T to G substitution at nucleotide position 56. The valine at codon 19 is replaced by glycine, an amino acid with dissimilar properties. This amino acid position is conserved. In addition, this alteration is predicted to be tolerated by in silico analysis. Since supporting evidence is limited at this time, the clinical significance of this alteration remains unclear.